The following is an entry in ClinVar:

NC_000018.9:g.(?_55983194)_(56033480_?)dup

Gene: NEDD4L (NEDD4 like E3 ubiquitin protein ligase; plus strand). Cytogenetic location: 18q21.31.
Variant type: Duplication.
Identifiers: ClinVar variation 1064273 (VCV001064273.5).

ClinVar aggregate classification (germline): Uncertain significance (1 of 4 stars; one submission).

Submission:

Labcorp Genetics (formerly Invitae), Labcorp
Classification: Uncertain significance. Last evaluated: 2020-01-25. Review status: criteria provided, single submitter. Criteria: Invitae Variant Classification Sherloc (09022015). Collection method: clinical testing. Allele origin: germline.
Comment: In summary, the available evidence is currently insufficient to determine the role of this variant in disease. Therefore, it has been classified as a Variant of Uncertain Significance. The current clinical and genetic evidence is not sufficient to establish whether loss-of-function variants in NEDD4L cause disease. This variant has not been reported in the literature in individuals with NEDD4L-related conditions. This variant results in a copy number gain of the genomic region encompassing exons 6-20 of the NEDD4L gene. While the exact position of this variant cannot be determined from this data, sub-genic copy number gains are generally in tandem (PMID: 25640679) and may result in an absent or disrupted protein product.

Literature cited by the submitters: PubMed 25640679.